The following is an entry in ClinVar:

NM_001003699.4(RREB1):c.2948T>C (p.Leu983Ser)

Gene: RREB1 (ras responsive element binding protein 1; plus strand). Cytogenetic location: 6p24.3.
Variant type: single nucleotide variant.
Coding change: c.2948T>C on transcript NM_001003699.4 (MANE Select); coding-DNA position 2948, T replaced by C.
Protein change: p.Leu983Ser; replaces leucine 983 with serine.
Molecular consequence: missense variant.
Genome position (GRCh38, 1-based): chr6:7,231,047, T>C. VCF-style: chr6-7231047-T-C. GRCh37 (hg19) VCF-style: chr6-7231280-T-C.
Other names: c.2948T>C, p.Leu983Ser (NM_001003698.4, NM_001003700.2, NM_001168344.2); short protein forms L983S.
Identifiers: ClinVar variation 780593 (VCV000780593.6), dbSNP rs115093903, ClinGen allele CA3625996.
Genomic context (GRCh38, chr6:7,231,047, plus strand): 5'-CGGGGAGCAGCGAGCAGCCCTCTCCCTGCCCAGCACCCGGCCCTTCTCTTCCTGTAACTT[T>C]GGGGCCCAGCGGAATCCTGGAAAGCCCCATGGCCCCTGCTCCGGCGGCCACCCCGGAACC-3'
Protein context (NP_001003699.1, residues 973-993): PAPGPSLPVT[Leu983Ser]GPSGILESPM

ClinVar aggregate classification (germline): Benign. Review status: criteria provided, single submitter (1 of 4 stars). 2 submissions from 2 submitters: Benign (1). 1 of the submissions does not count toward it. Last evaluated 2019-12-31.

Conditions:
RREB1-related disorder. Also called: RREB1-related condition.

Allele frequency attached by ClinVar (database versions not stated): gnomAD exomes 0.00122 and 0.00322; ExAC 0.00419; gnomAD 0.01285 and 0.01379; ESP Exome Variant Server 0.01384; TOPMed 0.01467; 1000 Genomes Project 0.01478; 1000 Genomes Project 30x 0.01640.
gnomAD v4.1: 3,837 of 1,613,844 alleles (0.24%); highest among the groups gnomAD compares: African/African-American, 4.2%; 64 homozygotes.

Submissions (2):

Labcorp Genetics (formerly Invitae), Labcorp
Classification: Benign. Last evaluated: 2019-12-31. Review status: criteria provided, single submitter. Criteria: Invitae Variant Classification Sherloc (09022015). Collection method: clinical testing. Allele origin: germline.

PreventionGenetics, part of Exact Sciences
Classification: Benign for RREB1-related condition. Last evaluated: 2019-03-22. Review status: no assertion criteria provided. Collection method: clinical testing. Allele origin: germline. Not counted in ClinVar's aggregate classification.
Comment: This variant is classified as benign based on ACMG/AMP sequence variant interpretation guidelines (Richards et al. 2015 PMID: 25741868, with internal and published modifications).